The following is an entry in ClinVar:

NM_004789.4(LHX2):c.408T>C (p.Tyr136=)

Gene: LHX2 (LIM homeobox 2; plus strand). Cytogenetic location: 9q33.3.
Variant type: single nucleotide variant.
Coding change: c.408T>C on transcript NM_004789.4 (MANE Select); coding-DNA position 408, T replaced by C.
Protein change: p.Tyr136=; no amino-acid change (tyrosine 136 retained).
Molecular consequence: synonymous variant.
Genome position (GRCh38, 1-based): chr9:124,015,206, T>C. VCF-style: chr9-124015206-T-C. GRCh37 (hg19) VCF-style: chr9-126777485-T-C.
Identifiers: ClinVar variation 4993123 (VCV004993123.1).
Genomic context (GRCh38, chr9:124,015,206, plus strand): 5'-CCGCTGCCACCTGGGCATCTCGGCCTCGGAGATGGTGATGCGCGCTCGGGACTTGGTTTA[T>C]CACCTCAACTGCTTCACGTGCACCACGTGTAACAAGATGCTGACCACGGGCGACCACTTC-3'
Protein context (NP_004780.3, residues 126-146): EMVMRARDLV[Tyr136=]HLNCFTCTTC

ClinVar aggregate classification (germline): Likely benign (1 of 4 stars; one submission).

Conditions:
LHX2-related disorder. Also called: LHX2-related condition.

Submission:

PreventionGenetics, part of Exact Sciences
Classification: Likely benign for LHX2-related condition. Last evaluated: 2026-08-13. Review status: criteria provided, single submitter. Criteria: ACMG Guidelines, 2015. Collection method: clinical testing. Allele origin: germline.
Comment: This variant is classified as likely benign based on ACMG/AMP sequence variant interpretation guidelines (Richards et al. 2015 PMID: 25741868, with internal and published modifications).